The following is an entry in ClinVar:

NM_020247.5(COQ8A):c.1440C>G (p.Phe480Leu)

Gene: COQ8A (coenzyme Q8A; plus strand). Cytogenetic location: 1q42.13.
Variant type: single nucleotide variant.
Coding change: c.1440C>G on transcript NM_020247.5 (MANE Select); coding-DNA position 1440, C replaced by G.
Protein change: p.Phe480Leu; replaces phenylalanine 480 with leucine.
Molecular consequence: missense variant.
Genome position (GRCh38, 1-based): chr1:226,984,589, C>G. VCF-style: chr1-226984589-C-G. GRCh37 (hg19) VCF-style: chr1-227172290-C-G.
Other names: short protein forms F480L.
Identifiers: ClinVar variation 861521 (VCV000861521.9), dbSNP rs12593, ClinGen allele CA1425493.

ClinVar aggregate classification (germline): Uncertain significance (1 of 4 stars; one submission).

Submission:

Labcorp Genetics (formerly Invitae), Labcorp
Classification: Uncertain significance. Last evaluated: 2019-05-16. Review status: criteria provided, single submitter. Criteria: Invitae Variant Classification Sherloc (09022015). Collection method: clinical testing. Allele origin: germline.
Comment: This sequence change replaces phenylalanine with leucine at codon 480 of the COQ8A protein (p.Phe480Leu). The phenylalanine residue is highly conserved and there is a small physicochemical difference between phenylalanine and leucine. This variant is present in population databases (rs12593, ExAC 0.001%). This variant has not been reported in the literature in individuals with COQ8A-related conditions. Algorithms developed to predict the effect of missense changes on protein structure and function are either unavailable or do not agree on the potential impact of this missense change (SIFT: "Deleterious"; PolyPhen-2: "Possibly Damaging"; Align-GVGD: "Class C0"). In summary, the available evidence is currently insufficient to determine the role of this variant in disease. Therefore, it has been classified as a Variant of Uncertain Significance.